The following is an entry in ClinVar:

NM_014946.4(SPAST):c.819_829del (p.Met274fs)

Gene: SPAST (spastin; plus strand). Cytogenetic location: 2p22.3.
Variant type: Deletion.
Coding change: c.819_829del on transcript NM_014946.4 (MANE Select); coding-DNA positions 819 to 829, 11 bases deleted (CATGGTTTCTG).
Protein change: p.Met274fs; shifts the reading frame from methionine 274.
Molecular consequence: frameshift variant.
Genome position (GRCh38, 1-based): chr2:32,114,774-32,114,784, CATGGTTTCTG deleted. VCF-style (leftmost placement, unchanged base first): chr2-32114773-CCATGGTTTCTG-C. GRCh37 (hg19) VCF-style: chr2-32339842-CCATGGTTTCTG-C.
Other names: c.816_826del, p.Met273fs (NM_001363823.2); c.720_730del, p.Met241fs (NM_001363875.2); c.723_733del, p.Met242fs (NM_001377959.1, NM_199436.2); c.819_829del11 (NM_014946.3); short protein forms M241fs, M242fs, M273fs, M274fs.
Identifiers: ClinVar variation 1709530 (VCV001709530.3), dbSNP rs2465835448, ClinGen allele CA2580066376.
Genomic context (GRCh38, chr2:32,114,773, plus strand): 5'-TGAAAACTGGATCTGCAGGCCTTTCAGGCCACCATAGAGCACCTAGTTACAGTGGTTTAT[CCATGGTTTCTG>C]GAGTGAAACAGGGATCTGGTCCTGCTCCTACCACTCATAAGGTATTCTGGGACAGTAACT-3'

ClinVar aggregate classification (germline): Likely pathogenic. Review status: criteria provided, multiple submitters, no conflicts (2 of 4 stars). 2 submissions from 2 submitters: Likely pathogenic (2). Last evaluated 2025-06-12.

Conditions:
SPAST-related disorder. Also called: SPAST-related condition.
Hereditary spastic paraplegia 4. Also called: Familial spastic paraplegia autosomal dominant 2; Spastic Paraplegia 4; Spastic paraplegia 4, autosomal dominant. Identifiers: Orphanet 100985, MedGen C1866855, MONDO:0008438, OMIM 182601.

Submissions (2):

PreventionGenetics, part of Exact Sciences
Classification: Likely pathogenic for SPAST-related condition. Last evaluated: 2025-06-12. Review status: criteria provided, single submitter. Criteria: ACMG Guidelines, 2015. Collection method: clinical testing. Allele origin: germline.
Comment: The SPAST c.819_829del11 variant is predicted to result in a frameshift and premature protein termination (p.Met274Serfs*13). To our knowledge, this variant has not been reported in the literature or a large population database (gnomAD), indicating this variant is rare. Frameshift variants in SPAST are expected to be pathogenic. This variant is interpreted as likely pathogenic.

MGZ Medical Genetics Center
Classification: Likely pathogenic for Hereditary spastic paraplegia 4. Last evaluated: 2022-06-14. Review status: criteria provided, single submitter. Criteria: ACMG Guidelines, 2015. Collection method: clinical testing. Allele origin: germline. Affected: yes. Observed: 1 variant allele.
Comment: ACMG criteria applied: PVS1, PM2_SUP